The following is an entry in ClinVar:

NM_001035.3(RYR2):c.6435A>G (p.Gly2145=)

Gene: RYR2 (ryanodine receptor 2; plus strand). Cytogenetic location: 1q43.
Variant type: single nucleotide variant.
Coding change: c.6435A>G on transcript NM_001035.3 (MANE Select); coding-DNA position 6435, A replaced by G.
Protein change: p.Gly2145=; no amino-acid change (glycine 2145 retained).
Molecular consequence: synonymous variant.
Genome position (GRCh38, 1-based): chr1:237,628,075, A>G. VCF-style: chr1-237628075-A-G. GRCh37 (hg19) VCF-style: chr1-237791375-A-G.
Identifiers: ClinVar variation 3385764 (VCV003385764.1).

ClinVar aggregate classification (germline): Uncertain significance (1 of 4 stars; one submission).

Conditions:
Catecholaminergic polymorphic ventricular tachycardia (CVPT). Also called: Catecholamine-induced polymorphic ventricular tachycardia. Identifiers: Orphanet 3286, MedGen C5574922, MONDO:0017990.

gnomAD v4.1: 2 of 1,613,168 alleles (0.00012%); highest among the groups gnomAD compares: Admixed American, 0.0017%; no homozygotes.

Submission:

All of Us Research Program, National Institutes of Health
Classification: Uncertain significance for Catecholaminergic polymorphic ventricular tachycardia. Last evaluated: 2024-06-09. Review status: criteria provided, single submitter. Criteria: ACMG Guidelines, 2015. Collection method: clinical testing. Allele origin: germline. Inheritance: Autosomal dominant inheritance. Observed: 1 variant allele, 1 heterozygote.
Comment: This variant is located in the RYR2 protein. To our knowledge, functional studies have not been reported for this variant. This variant has not been reported in individuals affected with RYR2-related disorders in the literature. This variant has been identified in 1/245924 chromosomes in the general population by the Genome Aggregation Database (gnomAD). The available evidence is insufficient to determine the role of this variant in disease conclusively. Therefore, this variant is classified as a Variant of Uncertain Significance.

This study involves interpretation of variants in research participants for the purpose of population health screening. Participant phenotype was not available at the time of variant classification. Additional details can be found in publication PMID: 35346344, PMCID: PMC8962531